The following is an entry in ClinVar:

ClinVar aggregate classification (germline): Uncertain significance. Review status: criteria provided, multiple submitters, no conflicts (2 of 4 stars). 2 submissions from 2 submitters: Uncertain significance (2). Last evaluated 2025-07-20.

gnomAD v4.1: 22 of 1,599,932 alleles (0.0014%); highest among the groups gnomAD compares: Admixed American, 0.0017%; no homozygotes.

Submissions (2):

Labcorp Genetics (formerly Invitae), Labcorp
Classification: Uncertain significance. Last evaluated: 2025-07-20. Review status: criteria provided, single submitter. Criteria: Invitae Variant Classification Sherloc (09022015). Collection method: clinical testing. Allele origin: germline.
Comment: This sequence change replaces arginine, which is basic and polar, with glycine, which is neutral and non-polar, at codon 180 of the SLC25A32 protein (p.Arg180Gly). This variant is present in population databases (rs374025789, gnomAD 0.02%). This variant has not been reported in the literature in individuals affected with SLC25A32-related conditions. ClinVar contains an entry for this variant (Variation ID: 2899738). Invitae Evidence Modeling of protein sequence and biophysical properties (such as structural, functional, and spatial information, amino acid conservation, physicochemical variation, residue mobility, and thermodynamic stability) indicates that this missense variant is not expected to disrupt SLC25A32 protein function with a negative predictive value of 80%. Algorithms developed to predict the effect of sequence changes on RNA splicing suggest that this variant may disrupt the consensus splice site. In summary, the available evidence is currently insufficient to determine the role of this variant in disease. Therefore, it has been classified as a Variant of Uncertain Significance.

Ambry Genetics
Classification: Uncertain significance. Last evaluated: 2024-04-20. Review status: criteria provided, single submitter. Criteria: Ambry Variant Classification Scheme 2023. Collection method: clinical testing. Allele origin: germline.

NM_030780.5(SLC25A32):c.538C>G (p.Arg180Gly)

Gene: SLC25A32 (solute carrier family 25 member 32; minus strand). Cytogenetic location: 8q22.3.
Variant type: single nucleotide variant.
Coding change: c.538C>G on transcript NM_030780.5 (MANE Select); coding-DNA position 538, C replaced by G.
Protein change: p.Arg180Gly; replaces arginine 180 with glycine.
Molecular consequence: missense variant. On other transcripts: non-coding transcript variant (2).
Genome position (GRCh38, 1-based): chr8:103,403,178, G>C on the plus strand (C>G on the coding strand, the complement: SLC25A32 is on the minus strand). VCF-style: chr8-103403178-G-C. GRCh37 (hg19) VCF-style: chr8-104415406-G-C.
Other names: c.538C>G (NM_030780.3); short protein forms R180G.
Identifiers: ClinVar variation 2899738 (VCV002899738.4), dbSNP rs374025789, ClinGen allele CA4835455.